The following is an entry in ClinVar:

ClinVar aggregate classification (germline): Uncertain significance (1 of 4 stars; one submission).

gnomAD v4.1: 1 of 1,192,104 alleles (0.000084%); highest among the groups gnomAD compares: African/African-American, 0.0018%; no homozygotes.

Submission:

GeneDx
Classification: Uncertain significance. Last evaluated: 2024-02-27. Review status: criteria provided, single submitter. Criteria: GeneDx Variant Classification Process June 2021. Collection method: clinical testing. Allele origin: germline. Affected: yes.
Comment: Not observed at significant frequency in large population cohorts (gnomAD); In silico analysis supports that this missense variant has a deleterious effect on protein structure/function; Has not been previously published as pathogenic or benign to our knowledge

NM_001367916.1(MAGT1):c.370G>A (p.Gly124Ser)

Gene: MAGT1 (magnesium transporter 1; minus strand). Cytogenetic location: Xq21.1.
Variant type: single nucleotide variant.
Coding change: c.370G>A on transcript NM_001367916.1 (MANE Select); coding-DNA position 370, G replaced by A.
Protein change: p.Gly124Ser; replaces glycine 124 with serine.
Molecular consequence: missense variant.
Genome position (GRCh38, 1-based): chrX:77,870,828, C>T on the plus strand (G>A on the coding strand, the complement: MAGT1 is on the minus strand). VCF-style: chrX-77870828-C-T. GRCh37 (hg19) VCF-style: chrX-77126325-C-T.
Other names: c.466G>A, p.Gly156Ser (NM_032121.5); short protein forms G124S, G156S.
Identifiers: ClinVar variation 3373352 (VCV003373352.1).